The following is an entry in ClinVar:

ClinVar aggregate classification (germline): Likely pathogenic (1 of 4 stars; one submission).

Submission:

Greenwood Genetic Center Diagnostic Laboratories, Greenwood Genetic Center
Classification: Likely pathogenic. Last evaluated: 2021-01-19. Review status: criteria provided, single submitter. Criteria: ACMG Guidelines, 2015. Collection method: clinical testing. Allele origin: germline. Affected: yes.
Comment: PVS1, PM2

NM_013275.6(ANKRD11):c.2777del (p.Lys926fs)

Gene: ANKRD11 (ankyrin repeat domain containing 11; minus strand). Cytogenetic location: 16q24.3.
Variant type: Deletion.
Coding change: c.2777del on transcript NM_013275.6 (MANE Select); coding-DNA position 2777, one base deleted (A; older notation c.2777delA).
Protein change: p.Lys926fs; shifts the reading frame from lysine 926.
Molecular consequence: frameshift variant.
Genome position (GRCh38, 1-based): chr16:89,283,765, T deleted on the plus strand (A on the coding strand, the reverse complement: ANKRD11 is on the minus strand); the first of 4 consecutive T bases (chr16:89,283,765-89,283,768); deleting any one gives the same sequence. VCF-style (leftmost placement, unchanged base first): chr16-89283764-CT-C. GRCh37 (hg19) VCF-style: chr16-89350172-CT-C.
Other names: c.2777del, p.Lys926fs (NM_001256182.2, NM_001256183.2); short protein forms K926fs.
Identifiers: ClinVar variation 1331652 (VCV001331652.4), dbSNP rs2151758291, ClinGen allele CA2573054301.
Genomic context (GRCh38, chr16:89,283,764, plus strand): 5'-CTCTGCGGACTCTCTCCTCTTCTTGTCCTTTTCCGAAAGGTAGCCAGGGACACTTTTATG[CT>C]TTTCGGTCTGCTCTTTCCTCTTCTCAGAGTTTTTATCCAAATAGTCCCTGTCCTTCTTTC-3'